The following is an entry in ClinVar:

NM_001042681.2(RERE):c.3091C>T (p.Gln1031Ter)

Gene: RERE (arginine-glutamic acid dipeptide repeats; minus strand). Cytogenetic location: 1p36.23.
Variant type: single nucleotide variant.
Coding change: c.3091C>T on transcript NM_001042681.2 (MANE Select); coding-DNA position 3091, C replaced by T.
Protein change: p.Gln1031Ter; replaces glutamine 1031 with a stop codon.
Molecular consequence: nonsense.
Genome position (GRCh38, 1-based): chr1:8,360,416, G>A on the plus strand (C>T on the coding strand, the complement: RERE is on the minus strand). VCF-style: chr1-8360416-G-A. GRCh37 (hg19) VCF-style: chr1-8420476-G-A.
Other names: c.1429C>T, p.Gln477Ter (NM_001042682.2); c.3091C>T, p.Gln1031Ter (NM_012102.4); short protein forms Q1031*, Q477*.
Identifiers: ClinVar variation 4629041 (VCV004629041.1).
Genomic context (GRCh38, chr1:8,360,416, plus strand): 5'-TCGGAGGGGTGATGGGAGGAGGGCCTCCAGGGACAAAGGGGTGCTGAGCAAACGGGGGTT[G>A]GGGGGCCACCTGGTGGAGGCCTGTAGGGGGGTGGGAGGCAGGGGGCGGGGGCAGGTTCTG-3'

ClinVar aggregate classification (germline): Pathogenic (1 of 4 stars; one submission).

Conditions:
Inborn genetic diseases. Identifiers: MedGen C0950123, MeSH D030342.

gnomAD v4.1: 2 of 1,366,918 alleles (0.00015%); highest among the groups gnomAD compares: East Asian, 0.0028%; no homozygotes.

Submission:

Ambry Genetics
Classification: Pathogenic for Inborn genetic diseases. Last evaluated: 2025-10-24. Review status: criteria provided, single submitter. Criteria: Ambry Variant Classification Scheme 2023. Collection method: clinical testing. Allele origin: germline.
Comment: The c.3091C>T (p.Q1031*) alteration, located in exon 19 (coding exon 17) of the RERE gene, consists of a C to T substitution at nucleotide position 3091. This changes the amino acid from a glutamine (Q) to a stop codon at amino acid position 1031. This alteration is expected to result in loss of function by premature protein truncation or nonsense-mediated mRNA decay. This variant was not reported in population-based cohorts in the Genome Aggregation Database (gnomAD). Based on the available evidence, this alteration is classified as pathogenic.